The following is an entry in ClinVar:

NM_000138.5(FBN1):c.1574G>A (p.Arg525Gln)

Gene: FBN1 (fibrillin 1; minus strand). Cytogenetic location: 15q21.1.
Variant type: single nucleotide variant.
Coding change: c.1574G>A on transcript NM_000138.5 (MANE Select); coding-DNA position 1574, G replaced by A.
Protein change: p.Arg525Gln; replaces arginine 525 with glutamine.
Molecular consequence: missense variant.
Genome position (GRCh38, 1-based): chr15:48,513,563, C>T on the plus strand (G>A on the coding strand, the complement: FBN1 is on the minus strand). VCF-style: chr15-48513563-C-T. GRCh37 (hg19) VCF-style: chr15-48805760-C-T.
Other names: c.1574G>A, p.Arg525Gln (NM_001406716.1); short protein forms R525Q.
Identifiers: ClinVar variation 2773386 (VCV002773386.3), dbSNP rs1034682956, ClinGen allele CA269557387.

ClinVar aggregate classification (germline): Uncertain significance. Review status: criteria provided, multiple submitters, no conflicts (2 of 4 stars). 2 submissions from 2 submitters: Uncertain significance (2). Last evaluated 2024-11-04.

Conditions:
Familial thoracic aortic aneurysm and aortic dissection (TAAD). Also called: Thoracic aortic aneurysms and dissections. Identifiers: Orphanet 91387, MedGen C4707243, MONDO:0019625.

Allele frequency attached by ClinVar (database versions not stated): gnomAD exomes 0.00001; TOPMed 0.00001.
gnomAD v4.1: 7 of 1,613,976 alleles (0.00043%); highest among the groups gnomAD compares: African/African-American, 0.0013%; no homozygotes.

Submissions (2):

Women's Health and Genetics/Laboratory Corporation of America, LabCorp
Classification: Uncertain significance. Last evaluated: 2024-11-04. Review status: criteria provided, single submitter. Criteria: LabCorp Variant Classification Summary - May 2015. Collection method: clinical testing. Allele origin: germline.
Comment: Variant summary: FBN1 c.1574G>A (p.Arg525Gln) results in a conservative amino acid change located in the Calcium-binding EGF-like domain (IPR001881) of the encoded protein sequence. Three of five in-silico tools predict a damaging effect of the variant on protein function. The variant allele was found at a frequency of 4e-06 in 251272 control chromosomes. The available data on variant occurrences in the general population are insufficient to allow any conclusion about variant significance. To our knowledge, no occurrence of c.1574G>A in individuals affected with Aortopathy and no experimental evidence demonstrating its impact on protein function have been reported. ClinVar contains an entry for this variant (Variation ID: 2773386). Based on the evidence outlined above, the variant was classified as uncertain significance.

Color Diagnostics, LLC DBA Color Health
Classification: Uncertain significance for Familial thoracic aortic aneurysm and aortic dissection. Last evaluated: 2021-11-15. Review status: criteria provided, single submitter. Criteria: ACMG Guidelines, 2015. Collection method: clinical testing. Allele origin: germline.
Comment: This missense variant replaces arginine with glutamine at codon 525 of the FBN1 protein. Computational prediction is inconclusive regarding the impact of this variant on protein structure and function (internally defined REVEL score threshold 0.5 < inconclusive < 0.7, PMID: 27666373). To our knowledge, functional studies have not been reported for this variant. This variant has not been reported in individuals affected with cardiovascular disorders in the literature. This variant has been identified in 1/251272 chromosomes in the general population by the Genome Aggregation Database (gnomAD). The available evidence is insufficient to determine the role of this variant in disease conclusively. Therefore, this variant is classified as a Variant of Uncertain Significance.